The following is an entry in ClinVar:

NM_000202.8(IDS):c.187A>G (p.Asn63Asp)

Gene: IDS (iduronate 2-sulfatase; minus strand). Cytogenetic location: Xq28.
Variant type: single nucleotide variant.
Coding change: c.187A>G on transcript NM_000202.8 (MANE Select); coding-DNA position 187, A replaced by G.
Protein change: p.Asn63Asp; replaces asparagine 63 with aspartic acid.
Molecular consequence: missense variant. On other transcripts: 5 prime UTR variant (1), non-coding transcript variant (1).
Genome position (GRCh38, 1-based): chrX:149,504,210, T>C on the plus strand (A>G on the coding strand, the complement: IDS is on the minus strand). VCF-style: chrX-149504210-T-C. GRCh37 (hg19) VCF-style: chrX-148585740-T-C.
Other names: c.-40A>G (NM_001166550.4); c.187A>G, p.Asn63Asp (NM_006123.5); short protein forms N63D.
Identifiers: ClinVar variation 638078 (VCV000638078.17), dbSNP rs193302909, ClinGen allele CA337036725.

ClinVar aggregate classification (germline): Pathogenic/Likely pathogenic. Review status: criteria provided, multiple submitters, no conflicts (2 of 4 stars). 5 submissions from 5 submitters: Pathogenic (3); Likely pathogenic (2). Last evaluated 2025-12-08.

Conditions:
Mucopolysaccharidosis, MPS-II (MPS2). Also called: Mucopolysaccharidosis type 2; IDS deficiency; Sulfoiduronate sulfatase deficiency; SIDS deficiency; Mucopolysaccharidosis with skin involvement; Attenuated MPS (subtype; formerly known as mild MPS II). Identifiers: Orphanet 580, Orphanet 79388, MedGen C0026705, MONDO:0010674, OMIM 309900.

Submissions (5):

3billion
Classification: Pathogenic for Mucopolysaccharidosis, MPS-II. Last evaluated: 2025-12-08. Review status: criteria provided, single submitter. Criteria: ACMG Guidelines, 2015. Collection method: clinical testing. Allele origin: germline. Affected: yes.
Comment: The variant is not observed in the gnomAD v4.1.0 dataset. Predicted Consequence/Location: Missense variant In silico tool predictions suggest damaging effect of the variant on gene or gene product [REVEL: 0.90 (>=0.6, sensitivity 0.68 and specificity 0.92); 3Cnet: 0.99 (> 0.75, sensitivity 0.96 and precision 0.92)]. The same nucleotide change resulting in the same amino acid change has been previously reported as pathogenic/likely pathogenic with strong evidence (ClinVar ID: VCV000638078 /PMID: 8664909). A different missense change at the same codon (p.Asn63Lys) has been reported to be associated with IDS-related disorder (ClinVar ID: VCV003256037 /PMID: 15614569). Therefore, this variant is classified as Pathogenic according to the recommendation of ACMG/AMP guideline.

Labcorp Genetics (formerly Invitae), Labcorp
Classification: Pathogenic for Mucopolysaccharidosis, MPS-II. Last evaluated: 2025-04-02. Review status: criteria provided, single submitter. Criteria: Invitae Variant Classification Sherloc (09022015). Collection method: clinical testing. Allele origin: germline.
Comment: This sequence change replaces asparagine, which is neutral and polar, with aspartic acid, which is acidic and polar, at codon 63 of the IDS protein (p.Asn63Asp). This variant is not present in population databases (gnomAD no frequency). This missense change has been observed in individual(s) with mucopolysaccharidosis type II (PMID: 8664909, 9921913, 27246110, 27883178, 30809705, 35144014). ClinVar contains an entry for this variant (Variation ID: 638078). Invitae Evidence Modeling of protein sequence and biophysical properties (such as structural, functional, and spatial information, amino acid conservation, physicochemical variation, residue mobility, and thermodynamic stability) indicates that this missense variant is expected to disrupt IDS protein function with a positive predictive value of 80%. For these reasons, this variant has been classified as Pathogenic.

Laboratory of Diagnosis and Therapy of Lysosomal Disorders, University of Padova
Classification: Pathogenic for Mucopolysaccharidosis, MPS-II. Last evaluated: 2024-06-07. Review status: criteria provided, single submitter. Criteria: ACMG Guidelines, 2015. Collection method: literature only. Allele origin: germline. Affected: yes. Observed: 21 variant alleles.
Comment: Prevalence of the variant significantly increased in affected individuals compared with controls (PS4_Strong), Absent from controls (or at low frequency) in gnomAD database (PM2_Moderate), Missense variant in a gene with a low rate of benign missense variation (PP2_Supporting), Multiple lines of computational evidence support a deleterious effect (PP3_Supporting), Patient’s phenotype or family history highly specific for the disease (PP4_Moderate)

Classification method: ACMG Guidelines [PMID:25741868] with modifications

Genome-Nilou Lab
Classification: Likely pathogenic for Mucopolysaccharidosis, MPS-II. Last evaluated: 2021-09-05. Review status: criteria provided, single submitter. Criteria: ACMG Guidelines, 2015. Collection method: clinical testing. Allele origin: germline. Affected: no.

Department of Medical Genetics, Sanjay Gandhi Post Graduate Institute of Medical Sciences
Classification: Likely pathogenic for Mucopolysaccharidosis, MPS-II. Last evaluated: 2021-02-09. Review status: criteria provided, single submitter. Criteria: ACMG Guidelines, 2015. Collection method: clinical testing. Allele origin: de novo, maternal, unknown. Inheritance: X-linked recessive inheritance. Affected: yes. Observed: 3 variant alleles, 3 hemizygotes. Clinical features observed: Motor delay (HP:0001270), Coarse facial features (HP:0000280), Depressed nasal bridge (HP:0005280), Short stature (HP:0004322), Macrocephaly (HP:0000256), Sleep apnea (HP:0010535), Inguinal hernia (HP:0000023), Developmental regression (HP:0002376), Umbilical hernia (HP:0001537), Dysostosis multiplex (HP:0000943), Flexion contracture (HP:0001371), Abnormal heart valve morphology (HP:0001654), and 1 more.

Literature cited by the submitters: PubMed 15614569 (cited by 3billion); PubMed 8664909 (cited by 3 submitters); PubMed 9921913 (cited by 3 submitters); PubMed 27246110 (cited by Labcorp Genetics (formerly Invitae), Labcorp and Laboratory of Diagnosis and Therapy of Lysosomal Disorders, University of Padova); PubMed 27883178 (cited by Labcorp Genetics (formerly Invitae), Labcorp and Laboratory of Diagnosis and Therapy of Lysosomal Disorders, University of Padova); PubMed 30809705 (cited by Labcorp Genetics (formerly Invitae), Labcorp and Laboratory of Diagnosis and Therapy of Lysosomal Disorders, University of Padova); PubMed 35144014 (cited by Labcorp Genetics (formerly Invitae), Labcorp and Laboratory of Diagnosis and Therapy of Lysosomal Disorders, University of Padova); PubMed 24125893 (cited by Laboratory of Diagnosis and Therapy of Lysosomal Disorders, University of Padova); PubMed 34813777 (cited by Laboratory of Diagnosis and Therapy of Lysosomal Disorders, University of Padova); PubMed 9762601 (cited by Laboratory of Diagnosis and Therapy of Lysosomal Disorders, University of Padova); PubMed 33960103 (cited by Laboratory of Diagnosis and Therapy of Lysosomal Disorders, University of Padova); PubMed 8940265 (cited by Laboratory of Diagnosis and Therapy of Lysosomal Disorders, University of Padova); PubMed 33676511 (cited by Laboratory of Diagnosis and Therapy of Lysosomal Disorders, University of Padova); PubMed 27146977 (cited by Laboratory of Diagnosis and Therapy of Lysosomal Disorders, University of Padova and Department of Medical Genetics, Sanjay Gandhi Post Graduate Institute of Medical Sciences); PubMed 9222763 (cited by Laboratory of Diagnosis and Therapy of Lysosomal Disorders, University of Padova); PubMed 36945845 (cited by Laboratory of Diagnosis and Therapy of Lysosomal Disorders, University of Padova).